The following is an entry in ClinVar:

ClinVar aggregate classification (germline): Uncertain significance (1 of 4 stars; one submission).

Submission:

Labcorp Genetics (formerly Invitae), Labcorp
Classification: Uncertain significance. Last evaluated: 2022-10-18. Review status: criteria provided, single submitter. Criteria: Invitae Variant Classification Sherloc (09022015). Collection method: clinical testing. Allele origin: germline.
Comment: This sequence change replaces asparagine, which is neutral and polar, with aspartic acid, which is acidic and polar, at codon 1635 of the USH2A protein (p.Asn1635Asp). This variant is not present in population databases (gnomAD no frequency). This variant has not been reported in the literature in individuals affected with USH2A-related conditions. Advanced modeling of protein sequence and biophysical properties (such as structural, functional, and spatial information, amino acid conservation, physicochemical variation, residue mobility, and thermodynamic stability) performed at Invitae indicates that this missense variant is not expected to disrupt USH2A protein function. In summary, the available evidence is currently insufficient to determine the role of this variant in disease. Therefore, it has been classified as a Variant of Uncertain Significance.

NM_206933.4(USH2A):c.4903A>G (p.Asn1635Asp)

Genes: USH2A (usherin; minus strand), USH2A-AS2 (USH2A antisense RNA 2; plus strand). Cytogenetic location: 1q41.
Variant type: single nucleotide variant.
Coding change: c.4903A>G on transcript NM_206933.4 (MANE Select); coding-DNA position 4903, A replaced by G.
Protein change: p.Asn1635Asp; replaces asparagine 1635 with aspartic acid.
Molecular consequence: missense variant. On other transcripts: non-coding transcript variant (2).
Genome position (GRCh38, 1-based): chr1:216,086,803, T>C on the plus strand (A>G on the coding strand, the complement: USH2A is on the minus strand). VCF-style: chr1-216086803-T-C. GRCh37 (hg19) VCF-style: chr1-216260145-T-C.
Other names: short protein forms N1635D.
Identifiers: ClinVar variation 2111572 (VCV002111572.4), dbSNP rs2527813568, ClinGen allele CA344859975.